The following is an entry in ClinVar:

ClinVar aggregate classification (germline): Uncertain significance (1 of 4 stars; one submission).

Allele frequency attached by ClinVar (database versions not stated): gnomAD exomes below 0.00001 and 0.00001; gnomAD 0.00001; TOPMed 0.00001; ExAC 0.00002; ESP Exome Variant Server 0.00015; 1000 Genomes Project 0.00020; 1000 Genomes Project 30x 0.00031.
gnomAD v4.1: 8 of 1,613,404 alleles (0.0005%); highest among the groups gnomAD compares: Middle Eastern, 0.017%; 1 homozygote.

Submission:

Labcorp Genetics (formerly Invitae), Labcorp
Classification: Uncertain significance. Last evaluated: 2023-02-18. Review status: criteria provided, single submitter. Criteria: Invitae Variant Classification Sherloc (09022015). Collection method: clinical testing. Allele origin: germline.
Comment: In summary, the available evidence is currently insufficient to determine the role of this variant in disease. Therefore, it has been classified as a Variant of Uncertain Significance. An algorithm developed to predict the effect of missense changes on protein structure and function (PolyPhen-2) suggests that this variant is likely to be tolerated. This sequence change replaces asparagine, which is neutral and polar, with serine, which is neutral and polar, at codon 316 of the RORB protein (p.Asn316Ser). This variant is present in population databases (rs376576125, gnomAD 0.02%). This variant has not been reported in the literature in individuals affected with RORB-related conditions. ClinVar contains an entry for this variant (Variation ID: 1502516).

NM_006914.4(RORB):c.947A>G (p.Asn316Ser)

Gene: RORB (RAR related orphan receptor B; plus strand). Cytogenetic location: 9q21.13.
Variant type: single nucleotide variant.
Coding change: c.947A>G on transcript NM_006914.4 (MANE Select); coding-DNA position 947, A replaced by G.
Protein change: p.Asn316Ser; replaces asparagine 316 with serine.
Molecular consequence: missense variant.
Genome position (GRCh38, 1-based): chr9:74,665,542, A>G. VCF-style: chr9-74665542-A-G. GRCh37 (hg19) VCF-style: chr9-77280458-A-G.
Other names: c.980A>G, p.Asn327Ser (NM_001365023.1); short protein forms N316S, N327S.
Identifiers: ClinVar variation 1502516 (VCV001502516.8), dbSNP rs376576125, ClinGen allele CA5083502.